The following is an entry in ClinVar:

NM_000091.5(COL4A3):c.687+1G>T

Genes: MFF-DT (MFF divergent transcript; minus strand), COL4A3 (collagen type IV alpha 3 chain; plus strand). Cytogenetic location: 2q36.3.
Variant type: single nucleotide variant.
Coding change: c.687+1G>T on transcript NM_000091.5 (MANE Select); the canonical splice donor site of the intron after coding-DNA position 687, G replaced by T.
Molecular consequence: splice donor variant.
Genome position (GRCh38, 1-based): chr2:227,253,338, G>T. VCF-style: chr2-227253338-G-T. GRCh37 (hg19) VCF-style: chr2-228118054-G-T.
Identifiers: ClinVar variation 1067774 (VCV001067774.10), dbSNP rs2069903710, ClinGen allele CA350864864.

ClinVar aggregate classification (germline): Conflicting classifications of pathogenicity. Review status: criteria provided, conflicting classifications (1 of 4 stars). 2 submissions from 2 submitters: Likely pathogenic (1); Uncertain significance (1). Last evaluated 2020-01-16.

Conditions:
Autosomal dominant Alport syndrome (ATS3A). Also called: Alport syndrome dominant type; Renal failure and sensorineural hearing loss; ALPORT SYNDROME 3A, AUTOSOMAL DOMINANT. Identifiers: Orphanet 63, Orphanet 88918, MedGen C5882663, MONDO:0007086, OMIM 104200.
Alport syndrome 3b, autosomal recessive. Identifiers: MedGen C5882699, MONDO:0957811, OMIM 620536.
Hematuria, benign familial, 2 (BFH2). Identifiers: MedGen C5830421, MONDO:0958186, OMIM 620320.

Submissions (2):

Labcorp Genetics (formerly Invitae), Labcorp
Classification: Likely pathogenic. Last evaluated: 2020-01-16. Review status: criteria provided, single submitter. Criteria: Invitae Variant Classification Sherloc (09022015). Collection method: clinical testing. Allele origin: germline.
Comment: This sequence change affects a donor splice site in intron 12 of the COL4A3 gene. It is expected to disrupt RNA splicing and likely results in an absent or disrupted protein product. In summary, the currently available evidence indicates that the variant is pathogenic, but additional data are needed to prove that conclusively. Therefore, this variant has been classified as Likely Pathogenic. Donor and acceptor splice site variants typically lead to a loss of protein function (PMID: 16199547), and loss-of-function variants in COL4A3 are known to be pathogenic (PMID: 8956999, 24854265, 26809805, 27281700). Algorithms developed to predict the effect of sequence changes on RNA splicing suggest that this variant may disrupt the consensus splice site, but this prediction has not been confirmed by published transcriptional studies. This variant has not been reported in the literature in individuals with COL4A3-related conditions. This variant is not present in population databases (ExAC no frequency).

Juno Genomics, Hangzhou Juno Genomics, Inc
Classification: Uncertain significance for Autosomal dominant Alport syndrome; Alport syndrome 3b, autosomal recessive; Hematuria, benign familial, 2. Review status: criteria provided, single submitter. Criteria: ACMG Guidelines, 2015. Collection method: clinical testing. Allele origin: germline. Affected: yes.
Comment: Absent from controls (or at extremely low frequency if recessive) in Genome Aggregation Database, Exome Sequencing Project, 1000 Genomes Project, or Exome Aggregation Consortium.;Null variant in a gene where loss of function (LOF) is a known mechanism of disease.

Literature cited by the submitters: PubMed 16199547 (cited by Labcorp Genetics (formerly Invitae), Labcorp); PubMed 8956999 (cited by Labcorp Genetics (formerly Invitae), Labcorp); PubMed 24854265 (cited by Labcorp Genetics (formerly Invitae), Labcorp); PubMed 26809805 (cited by Labcorp Genetics (formerly Invitae), Labcorp); PubMed 27281700 (cited by Labcorp Genetics (formerly Invitae), Labcorp).